The following is an entry in ClinVar:

NM_015215.4(CAMTA1):c.4882_4883+2del

Gene: CAMTA1 (calmodulin binding transcription activator 1; plus strand). Cytogenetic location: 1p36.23.
Variant type: Deletion.
Coding change: c.4882_4883+2del on transcript NM_015215.4 (MANE Select); coding-DNA position 4882 through the canonical splice donor site of the intron after coding-DNA position 4883, 4 bases deleted (AGGT; older notation c.4882_4883+2delAGGT).
Molecular consequence: splice donor variant.
Genome position (GRCh38, 1-based): chr1:7,751,391-7,751,394, AGGT deleted. VCF-style (leftmost placement, unchanged base first): chr1-7751390-CAGGT-C. GRCh37 (hg19) VCF-style: chr1-7811450-CAGGT-C.
Other names: c.4792_4793+2del (NM_001349608.2); c.4474_4475+2del (NM_001349612.2); c.1975_1976+2del (NM_001349614.1, NM_001349616.2, NM_001349615.2); c.1636_1637+2del (NM_001349620.1, NM_001349621.1, NM_001349619.2 and 1 more transcripts); c.1615_1616+2del (NM_001349625.2, NM_001349623.1, NM_001349626.2 and 1 more transcripts); c.1954_1955+2del (NM_001349617.1, NM_001349618.2); c.2011_2012+2del (NM_001349613.1); c.4564_4565+2del (NM_001349609.2, NM_001349610.2); and 3 more.
Identifiers: ClinVar variation 2836491 (VCV002836491.5), dbSNP rs2523703359, ClinGen allele CA2574197241.

ClinVar aggregate classification (germline): Conflicting classifications of pathogenicity. Review status: criteria provided, conflicting classifications (1 of 4 stars). 2 submissions from 2 submitters: Likely pathogenic (1); Uncertain significance (1). Last evaluated 2025-07-03.

Conditions:
Inborn genetic diseases. Identifiers: MedGen C0950123, MeSH D030342.

Submissions (2):

Ambry Genetics
Classification: Uncertain significance for Inborn genetic diseases. Last evaluated: 2025-07-03. Review status: criteria provided, single submitter. Criteria: Ambry Variant Classification Scheme 2023. Collection method: clinical testing. Allele origin: germline.
Comment: The c.4882_4883+2delAGGT intronic variant results from a deletion of 4 nucleotides between c.4882 and c.4883+2 after coding exon 20 of the CAMTA1 gene. This alteration occurs at the 3' terminus of the CAMTA1 gene, is not expected to trigger nonsense-mediated mRNA decay, and only impacts the last 6.6% of the protein. The exact functional effect of this alteration is unknown. This variant was not reported in population-based cohorts in the Genome Aggregation Database (gnomAD). These nucleotide positions are highly conserved in available vertebrate species. In silico splice site analysis predicts that this alteration will weaken the native splice donor site and will result in the creation or strengthening of a novel splice donor site. Based on insufficient or conflicting evidence, the clinical significance of this alteration remains unclear.

Labcorp Genetics (formerly Invitae), Labcorp
Classification: Likely pathogenic. Last evaluated: 2023-02-11. Review status: criteria provided, single submitter. Criteria: Invitae Variant Classification Sherloc (09022015). Collection method: clinical testing. Allele origin: germline.
Comment: In summary, the currently available evidence indicates that the variant is pathogenic, but additional data are needed to prove that conclusively. Therefore, this variant has been classified as Likely Pathogenic. Algorithms developed to predict the effect of sequence changes on RNA splicing suggest that this variant may disrupt the consensus splice site. This variant has not been reported in the literature in individuals affected with CAMTA1-related conditions. This variant is not present in population databases (gnomAD no frequency). This variant results in the deletion of part of exon 20 (c.4882_4883+2del) of the CAMTA1 gene. It is expected to disrupt RNA splicing. Variants that disrupt the donor or acceptor splice site typically lead to a loss of protein function (PMID: 16199547), and loss-of-function variants in CAMTA1 are known to be pathogenic (PMID: 22693284).

Literature cited by the submitters: PubMed 16199547 (cited by Labcorp Genetics (formerly Invitae), Labcorp); PubMed 22693284 (cited by Labcorp Genetics (formerly Invitae), Labcorp).